The following is an entry in ClinVar:

NM_001082538.3(TCTN1):c.1396G>T (p.Gly466Cys)

Gene: TCTN1 (tectonic family member 1; plus strand). Cytogenetic location: 12q24.11.
Variant type: single nucleotide variant.
Coding change: c.1396G>T on transcript NM_001082538.3 (MANE Select); coding-DNA position 1396, G replaced by T.
Protein change: p.Gly466Cys; replaces glycine 466 with cysteine.
Molecular consequence: missense variant. On other transcripts: non-coding transcript variant (1).
Genome position (GRCh38, 1-based): chr12:110,645,031, G>T. VCF-style: chr12-110645031-G-T. GRCh37 (hg19) VCF-style: chr12-111082836-G-T.
Other names: p.Gly466Cys; c.1396G>T, p.Gly466Cys (NM_001082537.3); c.1228G>T, p.Gly410Cys (NM_001173975.3); c.1069G>T, p.Gly357Cys (NM_001173976.2); c.1249G>T, p.Gly417Cys (NM_001319680.2); c.862G>T, p.Gly288Cys (NM_001319681.2); c.1354G>T, p.Gly452Cys (NM_024549.6); short protein forms G452C, G466C, G417C, G288C, G357C, G410C.
Identifiers: ClinVar variation 160095 (VCV000160095.23), dbSNP rs118096349, ClinGen allele CA173654.
Genomic context (GRCh38, chr12:110,645,031, plus strand): 5'-ACTGGAGCTCTCCCGTGTCAGCTCGTAGCACAGAAGGTGAAGAGCCTGCTGTGGGGCCAG[G>T]GCTTCCCAGATTACGTGGCCCCTTTTGGAAATTCCCAGGCCCAGGACATGCTGGACTGGG-3'
Protein context (NP_001076007.1, residues 456-476): QKVKSLLWGQ[Gly466Cys]FPDYVAPFGN

ClinVar aggregate classification (germline): Benign. Review status: criteria provided, multiple submitters, no conflicts (2 of 4 stars). 7 submissions from 7 submitters: Benign (6). 1 of the submissions does not count toward it. Last evaluated 2026-02-04.

Conditions:
Meckel-Gruber syndrome. Also called: DYSENCEPHALIA SPLANCHNOCYSTICA; GRUBER SYNDROME; Dysencephalia splachnocystica. Identifiers: Orphanet 564, MedGen C0265215, MONDO:0018921.
Joubert syndrome. Also called: CEREBELLOPARENCHYMAL DISORDER IV; JOUBERT-BOLTSHAUSER SYNDROME; Familial aplasia of the vermis. Identifiers: Orphanet 475, MedGen C5979921, MONDO:0018772.
Joubert syndrome 13 (JBTS13). Identifiers: Orphanet 475, MedGen C3280031, MONDO:0013608, OMIM 614173.

Allele frequency attached by ClinVar (database versions not stated): gnomAD 0.01517; TOPMed 0.01559; ESP Exome Variant Server 0.01569; ExAC 0.02294; 1000 Genomes Project 30x 0.02420; 1000 Genomes Project 0.02516.
gnomAD v4.1: 37,418 of 1,614,174 alleles (2.3%); highest among the groups gnomAD compares: South Asian, 5.1%; 579 homozygotes.

Submissions (7):

Labcorp Genetics (formerly Invitae), Labcorp
Classification: Benign for Joubert syndrome; Meckel-Gruber syndrome. Last evaluated: 2026-02-04. Review status: criteria provided, single submitter. Criteria: Invitae Variant Classification Sherloc (09022015). Collection method: clinical testing. Allele origin: germline.

Mayo Clinic Laboratories, Mayo Clinic
Classification: Benign. Last evaluated: 2024-09-27. Review status: criteria provided, single submitter. Criteria: ACMG Guidelines, 2015. Collection method: clinical testing. Allele origin: germline. Observed: 3 variant alleles.
Comment: BA1, BS1

Illumina Laboratory Services, Illumina
Classification: Benign for Joubert syndrome 13. Last evaluated: 2018-01-12. Review status: criteria provided, single submitter. Criteria: ICSL Variant Classification Criteria 13 December 2019. Collection method: clinical testing. Allele origin: germline.
Comment: This variant was observed in the ICSL laboratory as part of a predisposition screen in an ostensibly healthy population. It had not been previously curated by ICSL or reported in the Human Gene Mutation Database (HGMD: prior to June 1st, 2018), and was therefore a candidate for classification through an automated scoring system. Utilizing variant allele frequency, disease prevalence and penetrance estimates, and inheritance mode, an automated score was calculated to assess if this variant is too frequent to cause the disease. Based on the score and internal cut-off values, a variant classified as benign is not then subjected to further curation. The score for this variant resulted in a classification of benign for this disease.

GeneDx
Classification: Benign. Last evaluated: 2016-03-29. Review status: criteria provided, single submitter. Criteria: GeneDx Variant Classification (06012015). Collection method: clinical testing. Allele origin: germline. Affected: yes.
Comment: This variant is considered likely benign or benign based on one or more of the following criteria: it is a conservative change, it occurs at a poorly conserved position in the protein, it is predicted to be benign by multiple in silico algorithms, and/or has population frequency not consistent with disease.

Breakthrough Genomics
Classification: Benign. Review status: criteria provided, single submitter. Criteria: ACMG Guidelines, 2015. Collection method: not provided. Allele origin: germline. Inheritance: Autosomal recessive inheritance. Affected: yes.

PreventionGenetics, part of Exact Sciences
Classification: Benign. Review status: criteria provided, single submitter. Criteria: ACMG Guidelines, 2015. Collection method: clinical testing. Allele origin: germline.

Genetic Services Laboratory, University of Chicago
Classification: Likely benign. Review status: no assertion criteria provided. Collection method: clinical testing. Allele origin: germline. Inheritance: Autosomal recessive inheritance. Not counted in ClinVar's aggregate classification.
Comment: Likely benign based on allele frequency in 1000 Genomes Project or ESP global frequency and its presence in a patient with a rare or unrelated disease phenotype. NOT Sanger confirmed

Literature cited by the submitters: PubMed 31308072 (cited by Mayo Clinic Laboratories, Mayo Clinic).